The following is an entry in ClinVar:

ClinVar aggregate classification (germline): Uncertain significance (1 of 4 stars; one submission).

gnomAD v4.1: 5 of 1,563,432 alleles (0.00032%); highest among the groups gnomAD compares: Non-Finnish European, 0.00043%; no homozygotes.

Submission:

Ambry Genetics
Classification: Uncertain significance. Last evaluated: 2025-11-08. Review status: criteria provided, single submitter. Criteria: Ambry Variant Classification Scheme 2023. Collection method: clinical testing. Allele origin: germline.
Comment: The p.P75L variant (also known as c.224C>T), located in coding exon 1 of the ATRIP gene, results from a C to T substitution at nucleotide position 224. The proline at codon 75 is replaced by leucine, an amino acid with similar properties. This amino acid position is conserved. In addition, this alteration is predicted to be tolerated by in silico analysis. Based on the available evidence, the clinical significance of this variant remains unclear.

NM_130384.3(ATRIP):c.224C>T (p.Pro75Leu)

Genes: ATRIP (ATR interacting protein; plus strand), ATRIP-TREX1 (ATRIP-TREX1 readthrough; plus strand). Cytogenetic location: 3p21.31.
Variant type: single nucleotide variant.
Coding change: c.224C>T on transcript NM_130384.3 (MANE Select); coding-DNA position 224, C replaced by T.
Protein change: p.Pro75Leu; replaces proline 75 with leucine.
Molecular consequence: missense variant. On other transcripts: non-coding transcript variant (1), intron variant (1).
Genome position (GRCh38, 1-based): chr3:48,447,069, C>T. VCF-style: chr3-48447069-C-T. GRCh37 (hg19) VCF-style: chr3-48488473-C-T.
Other names: c.224C>T, p.Pro75Leu (NM_032166.4); c.-218+270C>T (NM_001271022.2); short protein forms P75L.
Identifiers: ClinVar variation 4644579 (VCV004644579.1).